The following is an entry in ClinVar:

ClinVar aggregate classification (germline): Uncertain significance. Review status: criteria provided, multiple submitters, no conflicts (2 of 4 stars). 3 submissions from 3 submitters: Uncertain significance (3). Last evaluated 2025-08-03.

Conditions:
Hereditary cancer-predisposing syndrome. Also called: Hereditary Cancer Syndrome; Neoplastic Syndromes, Hereditary; Tumor predisposition; Hereditary neoplastic syndrome. Identifiers: Orphanet 140162, MedGen C0027672, MeSH D009386, MONDO:0015356.
Familial cancer of breast. Also called: BREAST CANCER, FAMILIAL; Hereditary breast cancer; hereditary breast carcinoma. Identifiers: Orphanet 227535, MedGen C0346153, MONDO:0016419, OMIM 114480. Disease mechanism: loss of function.

Submissions (3):

Labcorp Genetics (formerly Invitae), Labcorp
Classification: Uncertain significance for Familial cancer of breast. Last evaluated: 2025-08-03. Review status: criteria provided, single submitter. Criteria: Invitae Variant Classification Sherloc (09022015). Collection method: clinical testing. Allele origin: germline.
Comment: This sequence change replaces threonine, which is neutral and polar, with serine, which is neutral and polar, at codon 517 of the CHEK2 protein (p.Thr517Ser). This variant is not present in population databases (gnomAD no frequency). This variant has not been reported in the literature in individuals affected with CHEK2-related conditions. ClinVar contains an entry for this variant (Variation ID: 479537). An algorithm developed to predict the effect of missense changes on protein structure and function (PolyPhen-2) suggests that this variant is likely to be tolerated. In summary, the available evidence is currently insufficient to determine the role of this variant in disease. Therefore, it has been classified as a Variant of Uncertain Significance.

Ambry Genetics
Classification: Uncertain significance for Hereditary cancer-predisposing syndrome. Last evaluated: 2023-12-21. Review status: criteria provided, single submitter. Criteria: Ambry Variant Classification Scheme 2023. Collection method: clinical testing. Allele origin: germline.
Comment: The p.T517S variant (also known as c.1549A>T), located in coding exon 14 of the CHEK2 gene, results from an A to T substitution at nucleotide position 1549. The threonine at codon 517 is replaced by serine, an amino acid with similar properties. This alteration was reported as functional in a study assessing CHEK2-complementation through quantification of KAP1 phosphorylation and CHK2 autophosphorylation in human RPE1-CHEK2-knockout cells (Stolarova L et al. Clin Cancer Res, 2023 Aug;29:3037-3050). This amino acid position is highly conserved in available vertebrate species. In addition, this alteration is predicted to be tolerated by in silico analysis. Since supporting evidence is limited at this time, the clinical significance of this alteration remains unclear.

Color Diagnostics, LLC DBA Color Health
Classification: Uncertain significance for Hereditary cancer-predisposing syndrome. Last evaluated: 2018-12-20. Review status: criteria provided, single submitter. Criteria: ACMG Guidelines, 2015. Collection method: clinical testing. Allele origin: germline.

Literature cited by the submitters: PubMed 37449874 (cited by Ambry Genetics).

NM_007194.4(CHEK2):c.1549A>T (p.Thr517Ser)

Gene: CHEK2 (checkpoint kinase 2; minus strand). Cytogenetic location: 22q12.1.
Variant type: single nucleotide variant.
Coding change: c.1549A>T on transcript NM_007194.4 (MANE Select); coding-DNA position 1549, A replaced by T.
Protein change: p.Thr517Ser; replaces threonine 517 with serine.
Molecular consequence: missense variant.
Genome position (GRCh38, 1-based): chr22:28,687,980, T>A on the plus strand (A>T on the coding strand, the complement: CHEK2 is on the minus strand). VCF-style: chr22-28687980-T-A. GRCh37 (hg19) VCF-style: chr22-29083968-T-A.
Other names: c.1678A>T, p.Thr560Ser (NM_001005735.3); c.886A>T, p.Thr296Ser (NM_001257387.3); c.1348A>T, p.Thr450Ser (NM_001349956.3); c.1462A>T, p.Thr488Ser (NM_145862.3); short protein forms T517S, T560S, T450S, T488S, T296S.
Identifiers: ClinVar variation 479537 (VCV000479537.17), dbSNP rs1555911631, ClinGen allele CA411091471.